The following is an entry in ClinVar:

ClinVar aggregate classification (germline): Uncertain significance (1 of 4 stars; one submission).

Allele frequency attached by ClinVar (database versions not stated): gnomAD 0.00001; gnomAD exomes 0.00001; TOPMed 0.00001.
gnomAD v4.1: 18 of 1,614,130 alleles (0.0011%); highest among the groups gnomAD compares: Non-Finnish European, 0.0014%; no homozygotes.

Submission:

Labcorp Genetics (formerly Invitae), Labcorp
Classification: Uncertain significance. Last evaluated: 2026-01-12. Review status: criteria provided, single submitter. Criteria: Invitae Variant Classification Sherloc (09022015). Collection method: clinical testing. Allele origin: germline.
Comment: This sequence change replaces aspartic acid, which is acidic and polar, with asparagine, which is neutral and polar, at codon 172 of the SPECC1L protein (p.Asp172Asn). This variant is present in population databases (rs200994521, gnomAD 0.0009%). This variant has not been reported in the literature in individuals affected with SPECC1L-related conditions. ClinVar contains an entry for this variant (Variation ID: 1982265). Invitae Evidence Modeling of protein sequence and biophysical properties (such as structural, functional, and spatial information, amino acid conservation, physicochemical variation, residue mobility, and thermodynamic stability) has been performed for this missense variant. However, the output from this modeling did not meet the statistical confidence thresholds required to predict the impact of this variant on SPECC1L protein function. In summary, the available evidence is currently insufficient to determine the role of this variant in disease. Therefore, it has been classified as a Variant of Uncertain Significance.

NM_015330.6(SPECC1L):c.514G>A (p.Asp172Asn)

Genes: SPECC1L (sperm antigen with calponin homology and coiled-coil domains 1 like; plus strand), SPECC1L-ADORA2A (SPECC1L-ADORA2A readthrough (NMD candidate); plus strand). Cytogenetic location: 22q11.23.
Variant type: single nucleotide variant.
Coding change: c.514G>A on transcript NM_015330.6 (MANE Select); coding-DNA position 514, G replaced by A.
Protein change: p.Asp172Asn; replaces aspartic acid 172 with asparagine.
Molecular consequence: missense variant. On other transcripts: non-coding transcript variant (1).
Genome position (GRCh38, 1-based): chr22:24,321,494, G>A. VCF-style: chr22-24321494-G-A. GRCh37 (hg19) VCF-style: chr22-24717462-G-A.
Other names: c.514G>A, p.Asp172Asn (NM_001145468.4, NM_001254732.3); short protein forms D172N.
Identifiers: ClinVar variation 1982265 (VCV001982265.4), dbSNP rs200994521, ClinGen allele CA322647414.